The following is an entry in ClinVar:

NM_212482.4(FN1):c.3347A>G (p.Lys1116Arg)

Gene: FN1 (fibronectin 1; minus strand). Cytogenetic location: 2q35.
Variant type: single nucleotide variant.
Coding change: c.3347A>G on transcript NM_212482.4 (MANE Select); coding-DNA position 3347, A replaced by G.
Protein change: p.Lys1116Arg; replaces lysine 1116 with arginine.
Molecular consequence: missense variant.
Genome position (GRCh38, 1-based): chr2:215,399,258, T>C on the plus strand (A>G on the coding strand, the complement: FN1 is on the minus strand). VCF-style: chr2-215399258-T-C. GRCh37 (hg19) VCF-style: chr2-216263981-T-C.
Other names: c.3347A>G, p.Lys1116Arg (NM_001306130.2, NM_001306131.2, NM_001306132.2 and 13 more transcripts); short protein forms K1116R.
Identifiers: ClinVar variation 3585500 (VCV003585500.3).

ClinVar aggregate classification (germline): Uncertain significance. Review status: criteria provided, multiple submitters, no conflicts (2 of 4 stars). 2 submissions from 2 submitters: Uncertain significance (2). Last evaluated 2025-01-21.

Conditions:
Glomerulopathy with fibronectin deposits 2 (GFND2). Identifiers: Orphanet 84090, MedGen C1866075, MONDO:0011165, OMIM 601894.
Spondylometaphyseal dysplasia - Sutcliffe type. Also called: Sutcliffe type of spondylometaphyseal dysplasia; Sutcliffe SMD; Spondylometaphyseal dysplasia, 'corner fracture' type; Spondylometaphyseal Dysplasia, Corner Fracture Type. Identifiers: Orphanet 93315, MedGen C0432221, MONDO:0008479, OMIM 184255.

gnomAD v4.1: 5 of 1,610,882 alleles (0.00031%); highest among the groups gnomAD compares: Non-Finnish European, 0.00042%; no homozygotes.

Submissions (2):

Labcorp Genetics (formerly Invitae), Labcorp
Classification: Uncertain significance. Last evaluated: 2025-01-21. Review status: criteria provided, single submitter. Criteria: Invitae Variant Classification Sherloc (09022015). Collection method: clinical testing. Allele origin: germline.
Comment: This sequence change replaces lysine, which is basic and polar, with arginine, which is basic and polar, at codon 1116 of the FN1 protein (p.Lys1116Arg). This variant is not present in population databases (gnomAD no frequency). This variant has not been reported in the literature in individuals affected with FN1-related conditions. An algorithm developed to predict the effect of missense changes on protein structure and function (PolyPhen-2) suggests that this variant is likely to be disruptive. Algorithms developed to predict the effect of sequence changes on RNA splicing suggest that this variant may disrupt the consensus splice site. In summary, the available evidence is currently insufficient to determine the role of this variant in disease. Therefore, it has been classified as a Variant of Uncertain Significance.

Fulgent Genetics
Classification: Uncertain significance for Spondylometaphyseal dysplasia - Sutcliffe type; Glomerulopathy with fibronectin deposits 2. Last evaluated: 2024-03-07. Review status: criteria provided, single submitter. Criteria: ACMG Guidelines, 2015. Collection method: clinical testing. Allele origin: germline.